The following is an entry in ClinVar:

NM_000051.4(ATM):c.5320-171C>A

Gene: ATM (ATM serine/threonine kinase; plus strand). Cytogenetic location: 11q22.3.
Variant type: single nucleotide variant.
Coding change: c.5320-171C>A on transcript NM_000051.4 (MANE Select); 171 bases into the intron before coding-DNA position 5320, C replaced by A.
Molecular consequence: intron variant.
Genome position (GRCh38, 1-based): chr11:108,302,682, C>A. VCF-style: chr11-108302682-C-A. GRCh37 (hg19) VCF-style: chr11-108173409-C-A.
Other names: c.5320-171C>A (NM_001351834.2).
Identifiers: ClinVar variation 679769 (VCV000679769.1), dbSNP rs138237074, ClinGen allele CA228388128.

ClinVar aggregate classification (germline): Likely benign (1 of 4 stars; one submission).

Allele frequency attached by ClinVar (database versions not stated): 1000 Genomes Project 30x 0.00281; 1000 Genomes Project 0.00300; TOPMed 0.00424; gnomAD 0.00833 and 0.00864.
gnomAD v4.1: 1,256 of 152,074 alleles (0.83%); highest among the groups gnomAD compares: Non-Finnish European, 0.91%; 18 homozygotes.

Submission:

GeneDx
Classification: Likely benign. Last evaluated: 2018-06-14. Review status: criteria provided, single submitter. Criteria: GeneDx Variant Classification (06012015). Collection method: clinical testing. Allele origin: germline. Affected: yes.
Comment: This variant is considered likely benign or benign based on one or more of the following criteria: it is a conservative change, it occurs at a poorly conserved position in the protein, it is predicted to be benign by multiple in silico algorithms, and/or has population frequency not consistent with disease.